The following is an entry in ClinVar:

ClinVar aggregate classification (germline): Uncertain significance. Review status: criteria provided, multiple submitters, no conflicts (2 of 4 stars). 2 submissions from 2 submitters: Uncertain significance (2). Last evaluated 2023-05-31.

Conditions:
Inborn genetic diseases. Identifiers: MedGen C0950123, MeSH D030342.

Allele frequency attached by ClinVar (database versions not stated): ExAC 0.00001; gnomAD 0.00001; TOPMed 0.00002.

Submissions (2):

Ambry Genetics
Classification: Uncertain significance for Inborn genetic diseases. Last evaluated: 2023-05-31. Review status: criteria provided, single submitter. Criteria: Ambry Variant Classification Scheme 2023. Collection method: clinical testing. Allele origin: germline.

Labcorp Genetics (formerly Invitae), Labcorp
Classification: Uncertain significance. Last evaluated: 2022-05-08. Review status: criteria provided, single submitter. Criteria: Invitae Variant Classification Sherloc (09022015). Collection method: clinical testing. Allele origin: germline.
Comment: This variant is present in population databases (rs376885844, gnomAD 0.007%). This sequence change replaces arginine, which is basic and polar, with cysteine, which is neutral and slightly polar, at codon 230 of the DHCR24 protein (p.Arg230Cys). This variant has not been reported in the literature in individuals affected with DHCR24-related conditions. In summary, the available evidence is currently insufficient to determine the role of this variant in disease. Therefore, it has been classified as a Variant of Uncertain Significance. Algorithms developed to predict the effect of missense changes on protein structure and function (SIFT, PolyPhen-2, Align-GVGD) all suggest that this variant is likely to be disruptive.

NM_014762.4(DHCR24):c.688C>T (p.Arg230Cys)

Gene: DHCR24 (24-dehydrocholesterol reductase; minus strand). Cytogenetic location: 1p32.3.
Variant type: single nucleotide variant.
Coding change: c.688C>T on transcript NM_014762.4 (MANE Select); coding-DNA position 688, C replaced by T.
Protein change: p.Arg230Cys; replaces arginine 230 with cysteine.
Molecular consequence: missense variant.
Genome position (GRCh38, 1-based): chr1:54,871,538, G>A on the plus strand (C>T on the coding strand, the complement: DHCR24 is on the minus strand). VCF-style: chr1-54871538-G-A. GRCh37 (hg19) VCF-style: chr1-55337211-G-A.
Other names: c.688C>T (NM_014762.3); short protein forms R230C.
Identifiers: ClinVar variation 2172435 (VCV002172435.6), dbSNP rs376885844, ClinGen allele CA870751.